The following is an entry in ClinVar:

ClinVar aggregate classification (germline): Benign/Likely benign. Review status: criteria provided, multiple submitters, no conflicts (2 of 4 stars). 4 submissions from 4 submitters: Benign (1); Likely benign (2). 1 of the submissions does not count toward it. Last evaluated 2026-07-01.

Conditions:
F12-related disorder. Also called: F12-related disorders; F12-related condition. Identifiers: MedGen CN239389.

Submissions (4):

CeGaT Center for Human Genetics Tuebingen
Classification: Likely benign. Last evaluated: 2026-07-01. Review status: criteria provided, single submitter. Criteria: CeGaT Center For Human Genetics Tuebingen Variant Classification Criteria Version 2. Collection method: clinical testing. Allele origin: germline. Affected: yes. Observed: 5 variant alleles.
Comment: F12: BP4, BS2

Labcorp Genetics (formerly Invitae), Labcorp
Classification: Benign. Last evaluated: 2025-11-03. Review status: criteria provided, single submitter. Criteria: Invitae Variant Classification Sherloc (09022015). Collection method: clinical testing. Allele origin: germline.

Blueprint Genetics
Classification: Likely benign. Last evaluated: 2024-10-03. Review status: criteria provided, single submitter. Criteria: ACMG Guidelines, 2015. Collection method: clinical testing. Allele origin: germline.

PreventionGenetics, part of Exact Sciences
Classification: Likely benign for F12-related condition. Last evaluated: 2019-10-31. Review status: no assertion criteria provided. Collection method: clinical testing. Allele origin: germline. Not counted in ClinVar's aggregate classification.
Comment: This variant is classified as likely benign based on ACMG/AMP sequence variant interpretation guidelines (Richards et al. 2015 PMID: 25741868, with internal and published modifications).

NM_000505.4(F12):c.1251-5dup

Gene: F12 (coagulation factor XII; minus strand). Cytogenetic location: 5q35.3.
Variant type: Duplication.
Coding change: c.1251-5dup on transcript NM_000505.4 (MANE Select); 5 bases into the intron before coding-DNA position 1251, one base duplicated (C; older notation c.1251-5dupC).
Molecular consequence: intron variant.
Genome position (GRCh38, 1-based): chr5:177,403,622, G duplicated on the plus strand (C on the coding strand, the reverse complement: F12 is on the minus strand); the first of 8 consecutive G bases (chr5:177,403,622-177,403,629); duplicating any one gives the same sequence. VCF-style (leftmost placement, unchanged base first): chr5-177403621-C-CG. GRCh37 (hg19) VCF-style: chr5-176830622-C-CG.
Other names: c.1251-5dupC (NM_000505.3).
Identifiers: ClinVar variation 1879642 (VCV001879642.36), dbSNP rs530070405, ClinGen allele CA3581212.
Genomic context (GRCh38, chr5:177,403,621, plus strand): 5'-CAGCTGTGGTTACGGCGTTCCTGGCCGAGCACCACCGTCAGATCCTCGGGTGCGGGCCTG[C>CG]GGGGGGGGTAGGGGAGAGGCAGCGCTCTCAGACCTGGCCACAAGCGTTCTGGGGAAGCCC-3'